The following is an entry in ClinVar:

ClinVar aggregate classification (germline): Uncertain significance (1 of 4 stars; one submission).

Submission:

GeneDx
Classification: Uncertain significance. Last evaluated: 2020-10-27. Review status: criteria provided, single submitter. Criteria: GeneDx Variant Classification Process June 2021. Collection method: clinical testing. Allele origin: germline. Affected: yes.
Comment: Not observed in large population cohorts (Lek et al., 2016); In silico analysis supports that this missense variant does not alter protein structure/function; Has not been previously published as pathogenic or benign to our knowledge

NM_001366145.2(TRPM3):c.1741G>A (p.Ala581Thr)

Gene: TRPM3 (transient receptor potential cation channel subfamily M member 3; minus strand). Cytogenetic location: 9q21.12.
Variant type: single nucleotide variant.
Coding change: c.1741G>A on transcript NM_001366145.2 (MANE Select); coding-DNA position 1741, G replaced by A.
Protein change: p.Ala581Thr; replaces alanine 581 with threonine.
Molecular consequence: missense variant.
Genome position (GRCh38, 1-based): chr9:70,625,259, C>T on the plus strand (G>A on the coding strand, the complement: TRPM3 is on the minus strand). VCF-style: chr9-70625259-C-T. GRCh37 (hg19) VCF-style: chr9-73240175-C-T.
Other names: c.1705G>A, p.Ala569Thr (NM_001007471.4, NM_001366150.2, NM_001366151.2); c.1711G>A, p.Ala571Thr (NM_001366141.2, NM_001366143.2); c.1747G>A, p.Ala583Thr (NM_001366142.2); c.1741G>A, p.Ala581Thr (NM_001366146.2, NM_001366149.2); c.1816G>A, p.Ala606Thr (NM_001366147.2, NM_001366148.2, NM_001366152.2); c.1282G>A, p.Ala428Thr (NM_001366154.2, NM_024971.7, NM_206945.5); c.1246G>A, p.Ala416Thr (NM_020952.6, NM_206944.5); c.1321G>A, p.Ala441Thr (NM_206946.5, NM_206947.5); short protein forms A416T, A428T, A441T, A569T, A571T, A581T, A583T, A606T.
Identifiers: ClinVar variation 1313381 (VCV001313381.2), dbSNP rs2133282432, ClinGen allele CA373560594.